The following is an entry in ClinVar:

ClinVar aggregate classification (germline): Uncertain significance. Review status: criteria provided, multiple submitters, no conflicts (2 of 4 stars). 3 submissions from 3 submitters: Uncertain significance (3). Last evaluated 2023-05-23.

Conditions:
Inborn genetic diseases. Identifiers: MedGen C0950123, MeSH D030342.
Fanconi anemia (FA). Also called: Fanconi's anemia. Identifiers: Orphanet 84, MedGen C0015625, MeSH D005199, MONDO:0019391.
Fanconi anemia complementation group F. Also called: FANCF-Related Fanconi Anemia. Identifiers: Orphanet 84, MedGen C3469526, MONDO:0011325, OMIM 603467.

Allele frequency attached by ClinVar (database versions not stated): gnomAD exomes below 0.00001; TOPMed 0.00002; gnomAD 0.00003.

Submissions (3):

Ambry Genetics
Classification: Uncertain significance for Inborn genetic diseases. Last evaluated: 2023-05-23. Review status: criteria provided, single submitter. Criteria: Ambry Variant Classification Scheme 2023. Collection method: clinical testing. Allele origin: germline.

Labcorp Genetics (formerly Invitae), Labcorp
Classification: Uncertain significance for Fanconi anemia. Last evaluated: 2022-08-15. Review status: criteria provided, single submitter. Criteria: Invitae Variant Classification Sherloc (09022015). Collection method: clinical testing. Allele origin: germline.
Comment: In summary, the available evidence is currently insufficient to determine the role of this variant in disease. Therefore, it has been classified as a Variant of Uncertain Significance. Algorithms developed to predict the effect of missense changes on protein structure and function output the following: SIFT: "Deleterious"; PolyPhen-2: "Benign"; Align-GVGD: "Class C0". The proline amino acid residue is found in multiple mammalian species, which suggests that this missense change does not adversely affect protein function. ClinVar contains an entry for this variant (Variation ID: 1445791). This variant has not been reported in the literature in individuals affected with FANCF-related conditions. This variant is present in population databases (no rsID available, gnomAD 0.0009%). This sequence change replaces arginine, which is basic and polar, with proline, which is neutral and non-polar, at codon 101 of the FANCF protein (p.Arg101Pro).

Fulgent Genetics
Classification: Uncertain significance for Fanconi anemia complementation group F. Last evaluated: 2021-07-28. Review status: criteria provided, single submitter. Criteria: ACMG Guidelines, 2015. Collection method: clinical testing. Allele origin: unknown.

NM_022725.4(FANCF):c.302G>C (p.Arg101Pro)

Gene: FANCF (FA complementation group F; minus strand). Cytogenetic location: 11p14.3.
Variant type: single nucleotide variant.
Coding change: c.302G>C on transcript NM_022725.4 (MANE Select); coding-DNA position 302, G replaced by C.
Protein change: p.Arg101Pro; replaces arginine 101 with proline.
Molecular consequence: missense variant.
Genome position (GRCh38, 1-based): chr11:22,625,509, C>G on the plus strand (G>C on the coding strand, the complement: FANCF is on the minus strand). VCF-style: chr11-22625509-C-G. GRCh37 (hg19) VCF-style: chr11-22647055-C-G.
Other names: c.302G>C (NM_022725.3); short protein forms R101P.
Identifiers: ClinVar variation 1445791 (VCV001445791.6), dbSNP rs1423734778, ClinGen allele CA380059311.